The following is an entry in ClinVar:

NM_001376.5(DYNC1H1):c.11956G>A (p.Ala3986Thr)

Gene: DYNC1H1 (dynein cytoplasmic 1 heavy chain 1; plus strand). Cytogenetic location: 14q32.31.
Variant type: single nucleotide variant.
Coding change: c.11956G>A on transcript NM_001376.5 (MANE Select); coding-DNA position 11956, G replaced by A.
Protein change: p.Ala3986Thr; replaces alanine 3986 with threonine.
Molecular consequence: missense variant.
Genome position (GRCh38, 1-based): chr14:102,041,588, G>A. VCF-style: chr14-102041588-G-A. GRCh37 (hg19) VCF-style: chr14-102507925-G-A.
Other names: short protein forms A3986T.
Identifiers: ClinVar variation 2726202 (VCV002726202.4), dbSNP rs893293077, ClinGen allele CA266978321.
Genomic context (GRCh38, chr14:102,041,588, plus strand): 5'-GAGTCCATGCTTCCACCCAGCACCCACCCCTCTGTACCTGTTTCAGCACCCATTGGCCAG[G>A]CCATCCACCGCCTGCTCCTGATCCAGGCTTTCCGGCCCGATCGCCTGTTGGCCATGGCCC-3'
Protein context (NP_001367.2, residues 3976-3996): EETPATPIGQ[Ala3986Thr]IHRLLLIQAF

ClinVar aggregate classification (germline): Uncertain significance. Review status: criteria provided, multiple submitters, no conflicts (2 of 4 stars). 2 submissions from 2 submitters: Uncertain significance (2). Last evaluated 2026-03-24.

Conditions:
Charcot-Marie-Tooth disease axonal type 2O. Also called: CHARCOT-MARIE-TOOTH NEUROPATHY, AXONAL, TYPE 2O; CHARCOT-MARIE-TOOTH DISEASE, AXONAL, AUTOSOMAL DOMINANT, TYPE 2O; Charcot-Marie-Tooth Neuropathy Type 2O; Charcot-Marie-Tooth disease, axonal, type 20. Identifiers: Orphanet 284232, MedGen C3280220, MONDO:0013644, OMIM 614228.

Allele frequency attached by ClinVar (database versions not stated): TOPMed below 0.00001.

Submissions (2):

Women's Health and Genetics/Laboratory Corporation of America, LabCorp
Classification: Uncertain significance. Last evaluated: 2026-03-24. Review status: criteria provided, single submitter. Criteria: LabCorp Variant Classification Summary - May 2015. Collection method: clinical testing. Allele origin: germline.
Comment: Variant summary: DYNC1H1 c.11956G>A (p.Ala3986Thr) results in a non-conservative amino acid change in the encoded protein sequence. Algorithms developed to predict the effect of missense changes on protein structure and function are either unavailable or do not agree on the potential impact of this missense change. The variant was absent in 251384 control chromosomes. The available data on variant occurrences in the general population are insufficient to allow any conclusion about variant significance. To our knowledge, no occurrence of c.11956G>A in individuals affected with DYNC1H1-related conditions and no experimental evidence demonstrating its impact on protein function have been reported. ClinVar contains an entry for this variant (Variation ID: 2726202). Based on the evidence outlined above, the variant was classified as uncertain significance.

Labcorp Genetics (formerly Invitae), Labcorp
Classification: Uncertain significance for Charcot-Marie-Tooth disease axonal type 2O. Last evaluated: 2025-06-22. Review status: criteria provided, single submitter. Criteria: Invitae Variant Classification Sherloc (09022015). Collection method: clinical testing. Allele origin: germline.
Comment: This sequence change replaces alanine, which is neutral and non-polar, with threonine, which is neutral and polar, at codon 3986 of the DYNC1H1 protein (p.Ala3986Thr). This variant is not present in population databases (gnomAD no frequency). This variant has not been reported in the literature in individuals affected with DYNC1H1-related conditions. ClinVar contains an entry for this variant (Variation ID: 2726202). Invitae Evidence Modeling of protein sequence and biophysical properties (such as structural, functional, and spatial information, amino acid conservation, physicochemical variation, residue mobility, and thermodynamic stability) indicates that this missense variant is not expected to disrupt DYNC1H1 protein function with a negative predictive value of 95%. In summary, the available evidence is currently insufficient to determine the role of this variant in disease. Therefore, it has been classified as a Variant of Uncertain Significance.